The following is an entry in ClinVar:

NM_001308093.3(GATA4):c.449G>T (p.Gly150Val)

Gene: GATA4 (GATA binding protein 4). Cytogenetic location: 8p23.1.
Variant type: single nucleotide variant.
Coding change: c.449G>T on transcript NM_001308093.3 (MANE Select); coding-DNA position 449, G replaced by T.
Protein change: p.Gly150Val; replaces glycine 150 with valine.
Molecular consequence: missense variant. On other transcripts: intron variant (3).
Genome position (GRCh38, 1-based): chr8:11,708,761, G>T. VCF-style: chr8-11708761-G-T. GRCh37 (hg19) VCF-style: chr8-11566270-G-T.
Other names: c.449G>T, p.Gly150Val (NM_002052.5); c.-6+7983G>T (NM_001308094.2); c.-3+747G>T (NM_001374274.1); c.-3+4457G>T (NM_001374273.1); short protein forms G150V.
Identifiers: ClinVar variation 4705528 (VCV004705528.1).

ClinVar aggregate classification (germline): Uncertain significance (1 of 4 stars; one submission).

Conditions:
Atrioventricular septal defect 4 (AVSD4). Identifiers: MedGen C3280781, MONDO:0013747, OMIM 614430.

gnomAD v4.1: 5 of 1,419,448 alleles (0.00035%); highest among the groups gnomAD compares: African/African-American, 0.0075%; no homozygotes.

Submission:

Labcorp Genetics (formerly Invitae), Labcorp
Classification: Uncertain significance for Atrioventricular septal defect 4. Last evaluated: 2025-03-26. Review status: criteria provided, single submitter. Criteria: Invitae Variant Classification Sherloc (09022015). Collection method: clinical testing. Allele origin: germline.
Comment: This sequence change replaces glycine, which is neutral and non-polar, with valine, which is neutral and non-polar, at codon 150 of the GATA4 protein (p.Gly150Val). This variant is not present in population databases (gnomAD no frequency). This variant has not been reported in the literature in individuals affected with GATA4-related conditions. Invitae Evidence Modeling of protein sequence and biophysical properties (such as structural, functional, and spatial information, amino acid conservation, physicochemical variation, residue mobility, and thermodynamic stability) has been performed for this missense variant. However, the output from this modeling did not meet the statistical confidence thresholds required to predict the impact of this variant on GATA4 protein function. This variant disrupts the p.Gly150 amino acid residue in GATA4. Other variant(s) that disrupt this residue have been determined to be pathogenic (PMID: 23626780). This suggests that this residue is clinically significant, and that variants that disrupt this residue are likely to be disease-causing. In summary, the available evidence is currently insufficient to determine the role of this variant in disease. Therefore, it has been classified as a Variant of Uncertain Significance.

Literature cited by the submitters: PubMed 23626780.